The following is an entry in ClinVar:

NM_018486.3(HDAC8):c.437+9del

Gene: HDAC8 (histone deacetylase 8; minus strand). Cytogenetic location: Xq13.1.
Variant type: Deletion.
Coding change: c.437+9del on transcript NM_018486.3 (MANE Select); 9 bases into the intron after coding-DNA position 437, one base deleted (A; older notation c.437+9delA).
Molecular consequence: intron variant. On other transcripts: 3 prime UTR variant (1).
Genome position (GRCh38, 1-based): chrX:72,567,880, T deleted on the plus strand (A on the coding strand, the reverse complement: HDAC8 is on the minus strand); the first of 4 consecutive T bases (chrX:72,567,880-72,567,883); deleting any one gives the same sequence. VCF-style (leftmost placement, unchanged base first): chrX-72567879-AT-A. GRCh37 (hg19) VCF-style: chrX-71787729-AT-A.
Other names: c.*5del (NM_001166420.2); c.164+4177del (NM_001166418.2, NM_001166448.2); c.437+9del (NM_001166419.2, NM_001166422.2).
Identifiers: ClinVar variation 2443140 (VCV002443140.2), dbSNP rs2522165535, ClinGen allele CA2579645389.

ClinVar aggregate classification (germline): Uncertain significance (0 of 4 stars; one submission).

Submission:

Genetic Services Laboratory, University of Chicago
Classification: Uncertain significance. Last evaluated: 2022-05-18. Review status: no assertion criteria provided. Collection method: clinical testing. Allele origin: germline. Affected: no.
Comment: DNA sequence analysis of the HDAC8 gene demonstrated a sequence change in intron 4, c.437+9del. This change does not appear to have been previously described in individuals with HDAC8-related disorders and has also not been described in population databases such as ExAC and gnomAD. This sequence change is not predicted to have a deleterious effect on splicing based on in-silico splice prediction programs. It is possible that this sequence change represents a benign sequence change in the HDAC8 gene that has not been identified to date. The functional significance of this sequence change is not known at present and its contribution to this individual's disease phenotype cannot definitively be determined.